The following is an entry in ClinVar:

NM_006904.7(PRKDC):c.10466C>A (p.Ser3489Tyr)

Gene: PRKDC (protein kinase, DNA-activated, catalytic subunit; minus strand). Cytogenetic location: 8q11.21.
Variant type: single nucleotide variant.
Coding change: c.10466C>A on transcript NM_006904.7 (MANE Select); coding-DNA position 10466, C replaced by A.
Protein change: p.Ser3489Tyr; replaces serine 3489 with tyrosine.
Molecular consequence: missense variant.
Genome position (GRCh38, 1-based): chr8:47,794,494, G>T on the plus strand (C>A on the coding strand, the complement: PRKDC is on the minus strand). VCF-style: chr8-47794494-G-T. GRCh37 (hg19) VCF-style: chr8-48707055-G-T.
Other names: c.10466C>A, p.Ser3489Tyr (NM_001081640.2); short protein forms S3489Y.
Identifiers: ClinVar variation 3225705 (VCV003225705.1), dbSNP rs2154497997, ClinGen allele CA371134424.

ClinVar aggregate classification (germline): Uncertain significance (1 of 4 stars; one submission).

Submission:

Ambry Genetics
Classification: Uncertain significance. Last evaluated: 2023-11-23. Review status: criteria provided, single submitter. Criteria: Ambry Variant Classification Scheme 2023. Collection method: clinical testing. Allele origin: germline.
Comment: The p.S3489Y variant (also known as c.10466C>A), located in coding exon 74 of the PRKDC gene, results from a C to A substitution at nucleotide position 10466. The serine at codon 3489 is replaced by tyrosine, an amino acid with dissimilar properties. This amino acid position is conserved. Since supporting evidence is limited at this time, the clinical significance of this alteration remains unclear.